The following continues an entry in ClinVar:

NM_000059.4(BRCA2):c.1395A>C (p.Val465=)

Gene: BRCA2. ClinVar aggregate classification (germline): Likely benign. Likely benign (1).

Submissions 18 to 30 of 30:

Clinical Genetics DNA and cytogenetics Diagnostics Lab, Erasmus MC, Erasmus Medical Center
Classification: Likely benign for Breast-ovarian cancer, familial, susceptibility to, 2. Last evaluated: 2015-09-21. Review status: criteria provided, single submitter. Criteria: ACGS Guidelines, 2013. Collection method: clinical testing. Allele origin: germline. Affected: yes. Study: VKGL Data-share Consensus. Not counted in ClinVar's aggregate classification.

Color Diagnostics, LLC DBA Color Health
Classification: Benign for Hereditary cancer-predisposing syndrome. Last evaluated: 2015-04-22. Review status: criteria provided, single submitter. Criteria: ACMG Guidelines, 2015. Collection method: clinical testing. Allele origin: germline. Not counted in ClinVar's aggregate classification.

Ambry Genetics
Classification: Likely benign for Hereditary cancer-predisposing syndrome. Last evaluated: 2014-08-13. Review status: criteria provided, single submitter. Criteria: Ambry Variant Classification Scheme 2023. Collection method: clinical testing. Allele origin: germline. Not counted in ClinVar's aggregate classification.

Eurofins Ntd Llc (ga)
Classification: Likely benign. Last evaluated: 2014-07-21. Review status: criteria provided, single submitter. Criteria: EGL Classification Definitions 2015. Collection method: clinical testing. Allele origin: germline. Observed: 1 variant allele, 1 heterozygote. Not counted in ClinVar's aggregate classification.

GeneDx
Classification: Benign. Last evaluated: 2014-03-11. Review status: criteria provided, single submitter. Criteria: GeneDx Variant Classification (06012015). Collection method: clinical testing. Allele origin: germline. Affected: yes. Not counted in ClinVar's aggregate classification.
Comment: This variant is considered likely benign or benign based on one or more of the following criteria: it is a conservative change, it occurs at a poorly conserved position in the protein, it is predicted to be benign by multiple in silico algorithms, and/or has population frequency not consistent with disease.

BRCAlab, Lund University
Classification: Likely benign for Breast-ovarian cancer, familial, susceptibility to, 2. Last evaluated: 2020-03-02. Review status: no assertion criteria provided. Collection method: clinical testing. Allele origin: germline. Affected: yes. Not counted in ClinVar's aggregate classification.

PreventionGenetics, part of Exact Sciences
Classification: Likely benign for BRCA2-related condition. Last evaluated: 2019-03-05. Review status: no assertion criteria provided. Collection method: clinical testing. Allele origin: germline. Not counted in ClinVar's aggregate classification.
Comment: This variant is classified as likely benign based on ACMG/AMP sequence variant interpretation guidelines (Richards et al. 2015 PMID: 25741868, with internal and published modifications).

Counsyl
Classification: Likely benign for Breast-ovarian cancer, familial 2. Last evaluated: 2014-04-17. Review status: no assertion criteria provided. Collection method: literature only. Allele origin: unknown. Inheritance: Autosomal dominant inheritance. Not counted in ClinVar's aggregate classification.

Breast Cancer Information Core (BIC) (BRCA2)
Classification: Uncertain significance for Breast-ovarian cancer, familial 2. Last evaluated: 1999-12-30. Review status: no assertion criteria provided. Collection method: clinical testing. Allele origin: germline. Affected: yes. Observed: 1 variant allele. Not counted in ClinVar's aggregate classification.

Clinical Genetics Laboratory, Department of Pathology, Netherlands Cancer Institute
Classification: Likely benign. Review status: no assertion criteria provided. Collection method: clinical testing. Allele origin: germline. Affected: yes. Study: VKGL Data-share Consensus. Not counted in ClinVar's aggregate classification.

Department of Pathology and Laboratory Medicine, Sinai Health System
Classification: Benign. Review status: no assertion criteria provided. Collection method: clinical testing. Allele origin: unknown. Affected: yes. Observed: 4 variant alleles. Study: The Canadian Open Genetics Repository (COGR). Not counted in ClinVar's aggregate classification.
Comment: The BRCA2 p.Val465Val variant is not expected to have clinical significance because it does not result in a change of amino acid and is not located in a known consensus splice site. In addition, in silico or computational prediction software programs (SpliceSiteFinder, MaxEntScan, NNSPLICE, GeneSplicer, HumanSpliceFinder) do not predict the abolishment of an existing splice site or the creation of a new splice site, and a splicing minigene assay found the variant did not have an effect on splicing (ThâˆšÂ©ry 2011). The variant was identified in the literature in 2 of 8048 proband chromosomes from individuals or families with breast or ovarian cancer; however control chromosomes were not evaluated in this study thus the prevalence of the variant in the general population could not be determined (van der Hout 2006). Another variant with the same synonymous amino acid change but a different nucleotide change (c.1395A>T) was identified in one individual with breast cancer in a study by Evans (2008); however, control chromosomes were not included in this study. The p.Val465Val variant was identified in the NIH Polymorphism Discovery Resource (NIHPDR) PDR90 cohort in 1 of 180 chromosomes (frequency: 0.006), and in the Exome Variant Server Exome Sequencing Project in 4 of 13006 European American alleles (frequency 0.0003), increasing the likelihood that this may be a low frequency benign variant in certain populations of origin. The variant was also identified in dbSNP (ID: rs11571641) â€šÃ„ÃºWith uncertain alleleâ€šÃ„Ã¹, HGMD, LOVD, the ClinVar database (classified as benign by Invitae and GeneDx), the BIC database (1X with unknown clinical importance), and UMD (25X as a neutral variant). In UMD the variant was identified with three different co-occurring pathogenic BRCA2 variants and one pathogenic BRCA1 variant, increasing the likelihood that the p.Val465Val variant does not have clinical significance. Furthermore, Myriad classifies this as a polymorphism (personal communication). In summary, based on the above information, this variant meets our laboratory's criteria to be classified as benign.

Diagnostic Laboratory, Department of Genetics, University Medical Center Groningen
Classification: Likely benign for Breast-ovarian cancer, familial, susceptibility to, 2. Review status: no assertion criteria provided. Collection method: clinical testing. Allele origin: germline. Affected: yes. Study: VKGL Data-share Consensus. Not counted in ClinVar's aggregate classification.

Joint Genome Diagnostic Labs from Nijmegen and Maastricht, Radboudumc and MUMC+
Classification: Likely benign. Review status: no assertion criteria provided. Collection method: clinical testing. Allele origin: germline. Affected: yes. Study: VKGL Data-share Consensus. Not counted in ClinVar's aggregate classification.

Literature cited by the submitters: PubMed 28324225 (cited by Sema4); PubMed 25685387 (cited by Sema4); PubMed 21673748 (cited by Eurofins Ntd Llc (ga)); PubMed 17636422 (cited by Counsyl); PubMed 16683254 (cited by Counsyl).